The following is an entry in ClinVar:

ClinVar aggregate classification (germline): Uncertain significance (1 of 4 stars; one submission).

Submission:

Labcorp Genetics (formerly Invitae), Labcorp
Classification: Uncertain significance. Last evaluated: 2024-12-22. Review status: criteria provided, single submitter. Criteria: Invitae Variant Classification Sherloc (09022015). Collection method: clinical testing. Allele origin: germline.
Comment: This sequence change replaces arginine, which is basic and polar, with serine, which is neutral and polar, at codon 651 of the CTNNA1 protein (p.Arg651Ser). This variant is not present in population databases (gnomAD no frequency). This variant has not been reported in the literature in individuals affected with CTNNA1-related conditions. ClinVar contains an entry for this variant (Variation ID: 1505325). Invitae Evidence Modeling of protein sequence and biophysical properties (such as structural, functional, and spatial information, amino acid conservation, physicochemical variation, residue mobility, and thermodynamic stability) indicates that this missense variant is not expected to disrupt CTNNA1 protein function with a negative predictive value of 80%. In summary, the available evidence is currently insufficient to determine the role of this variant in disease. Therefore, it has been classified as a Variant of Uncertain Significance.

NM_001903.5(CTNNA1):c.1953A>T (p.Arg651Ser)

Gene: CTNNA1 (catenin alpha 1; plus strand). Cytogenetic location: 5q31.2.
Variant type: single nucleotide variant.
Coding change: c.1953A>T on transcript NM_001903.5 (MANE Select); coding-DNA position 1953, A replaced by T.
Protein change: p.Arg651Ser; replaces arginine 651 with serine.
Molecular consequence: missense variant.
Genome position (GRCh38, 1-based): chr5:138,929,299, A>T. VCF-style: chr5-138929299-A-T. GRCh37 (hg19) VCF-style: chr5-138264988-A-T.
Other names: c.843A>T, p.Arg281Ser (NM_001323993.1, NM_001323994.1, NM_001323995.1 and 17 more transcripts); c.1953A>T, p.Arg651Ser (NM_001290307.3, NM_001323982.2, NM_001323983.1 and 2 more transcripts); c.1644A>T, p.Arg548Ser (NM_001290309.3); c.1584A>T, p.Arg528Ser (NM_001290310.3); c.1860A>T, p.Arg620Ser (NM_001323986.2); c.504A>T, p.Arg168Ser (NM_001324006.1, NM_001324007.1, NM_001324008.1 and 2 more transcripts); c.750A>T, p.Arg250Ser (NM_001324011.1); c.600A>T, p.Arg200Ser (NM_001324012.1, NM_001324013.1); short protein forms R200S, R528S, R281S, R620S, R651S, R250S, R168S, R548S.
Identifiers: ClinVar variation 1505325 (VCV001505325.8), dbSNP rs2150324943, ClinGen allele CA361132794.